The following is an entry in ClinVar:

ClinVar aggregate classification (germline): Likely pathogenic (1 of 4 stars; one submission).

Conditions:
Joubert syndrome. Also called: CEREBELLOPARENCHYMAL DISORDER IV; JOUBERT-BOLTSHAUSER SYNDROME; Familial aplasia of the vermis. Identifiers: Orphanet 475, MedGen C5979921, MONDO:0018772.
Meckel-Gruber syndrome. Also called: DYSENCEPHALIA SPLANCHNOCYSTICA; GRUBER SYNDROME; Dysencephalia splachnocystica. Identifiers: Orphanet 564, MedGen C0265215, MONDO:0018921.

Submission:

Labcorp Genetics (formerly Invitae), Labcorp
Classification: Likely pathogenic for Joubert syndrome; Meckel-Gruber syndrome. Last evaluated: 2022-05-29. Review status: criteria provided, single submitter. Criteria: Invitae Variant Classification Sherloc (09022015). Collection method: clinical testing. Allele origin: germline.
Comment: This sequence change affects a donor splice site in intron 17 of the RPGRIP1L gene. It is expected to disrupt RNA splicing. Variants that disrupt the donor or acceptor splice site typically lead to a loss of protein function (PMID: 16199547), and loss-of-function variants in RPGRIP1L are known to be pathogenic (PMID: 17558409). This variant is not present in population databases (gnomAD no frequency). This variant has not been reported in the literature in individuals affected with RPGRIP1L-related conditions. Algorithms developed to predict the effect of sequence changes on RNA splicing suggest that this variant may disrupt the consensus splice site. In summary, the currently available evidence indicates that the variant is pathogenic, but additional data are needed to prove that conclusively. Therefore, this variant has been classified as Likely Pathogenic.

Literature cited by the submitters: PubMed 16199547; PubMed 17558409.

NM_015272.5(RPGRIP1L):c.2683+1G>T

Gene: RPGRIP1L (RPGRIP1 like; minus strand). Cytogenetic location: 16q12.2.
Variant type: single nucleotide variant.
Coding change: c.2683+1G>T on transcript NM_015272.5 (MANE Select); the canonical splice donor site of the intron after coding-DNA position 2683, G replaced by T.
Molecular consequence: splice donor variant.
Genome position (GRCh38, 1-based): chr16:53,645,624, C>A on the plus strand (G>T on the coding strand, the complement: RPGRIP1L is on the minus strand). VCF-style: chr16-53645624-C-A. GRCh37 (hg19) VCF-style: chr16-53679536-C-A.
Other names: c.2683+1G>T (NM_001127897.4, NM_001330538.2, NM_001308334.3).
Identifiers: ClinVar variation 2000665 (VCV002000665.4), dbSNP rs2544100152, ClinGen allele CA395914066.